The following is an entry in ClinVar:

NM_015340.4(LARS2):c.1814G>A (p.Arg605His)

Gene: LARS2 (leucyl-tRNA synthetase 2, mitochondrial; plus strand). Cytogenetic location: 3p21.31.
Variant type: single nucleotide variant.
Coding change: c.1814G>A on transcript NM_015340.4 (MANE Select); coding-DNA position 1814, G replaced by A.
Protein change: p.Arg605His; replaces arginine 605 with histidine.
Molecular consequence: missense variant.
Genome position (GRCh38, 1-based): chr3:45,513,188, G>A. VCF-style: chr3-45513188-G-A. GRCh37 (hg19) VCF-style: chr3-45554680-G-A.
Other names: c.1814G>A, p.Arg605His (NM_001368263.1); short protein forms R605H.
Identifiers: ClinVar variation 504796 (VCV000504796.11), dbSNP rs142665087, ClinGen allele CA2349699.

ClinVar aggregate classification (germline): Uncertain significance. Review status: criteria provided, multiple submitters, no conflicts (2 of 4 stars). 6 submissions from 6 submitters: Uncertain significance (6). Last evaluated 2025-11-27.

Conditions:
Hydrops-lactic acidosis-sideroblastic anemia-multisystemic failure syndrome. Also called: Hydrops, lactic acidosis, and sideroblastic anemia. Identifiers: Orphanet 528091, MedGen C4310761, MONDO:0014869, OMIM 617021.
Perrault syndrome 4 (PRLTS4). Identifiers: Orphanet 2855, MedGen C3809105, MONDO:0014126, OMIM 615300.
LARS2-related disorder. Also called: LARS2-related condition.

Allele frequency attached by ClinVar (database versions not stated): ExAC 0.00002; gnomAD exomes 0.00002; gnomAD 0.00005 and 0.00006; ESP Exome Variant Server 0.00008; TOPMed 0.00008.
gnomAD v4.1: 36 of 1,613,642 alleles (0.0022%); highest among the groups gnomAD compares: Middle Eastern, 0.033%; no homozygotes.

Submissions (6):

Labcorp Genetics (formerly Invitae), Labcorp
Classification: Uncertain significance. Last evaluated: 2025-11-27. Review status: criteria provided, single submitter. Criteria: Invitae Variant Classification Sherloc (09022015). Collection method: clinical testing. Allele origin: germline.
Comment: This sequence change replaces arginine, which is basic and polar, with histidine, which is basic and polar, at codon 605 of the LARS2 protein (p.Arg605His). This variant is present in population databases (rs142665087, gnomAD 0.02%). This variant has not been reported in the literature in individuals affected with LARS2-related conditions. ClinVar contains an entry for this variant (Variation ID: 504796). An algorithm developed to predict the effect of missense changes on protein structure and function (PolyPhen-2) suggests that this variant is likely to be tolerated. In summary, the available evidence is currently insufficient to determine the role of this variant in disease. Therefore, it has been classified as a Variant of Uncertain Significance.

PreventionGenetics, part of Exact Sciences
Classification: Uncertain significance for LARS2-related condition. Last evaluated: 2025-02-15. Review status: criteria provided, single submitter. Criteria: ACMG Guidelines, 2015. Collection method: clinical testing. Allele origin: germline.
Comment: The LARS2 c.1814G>A variant is predicted to result in the amino acid substitution p.Arg605His. To our knowledge, this variant has not been reported in the literature. This variant is reported in 0.024% of alleles in individuals of African descent in gnomAD. At this time, the clinical significance of this variant is uncertain due to the absence of conclusive functional and genetic evidence.

GeneDx
Classification: Uncertain significance. Last evaluated: 2024-06-26. Review status: criteria provided, single submitter. Criteria: GeneDx Variant Classification Process June 2021. Collection method: clinical testing. Allele origin: germline. Affected: yes.
Comment: In silico analysis supports that this missense variant has a deleterious effect on protein structure/function; Has not been previously published as pathogenic or benign to our knowledge

Blueprint Genetics
Classification: Uncertain significance. Last evaluated: 2024-02-23. Review status: criteria provided, single submitter. Criteria: ACMG Guidelines, 2015. Collection method: clinical testing. Allele origin: germline.

Fulgent Genetics
Classification: Uncertain significance for Perrault syndrome 4; Hydrops-lactic acidosis-sideroblastic anemia-multisystemic failure syndrome. Last evaluated: 2018-10-31. Review status: criteria provided, single submitter. Criteria: ACMG Guidelines, 2015. Collection method: clinical testing. Allele origin: unknown.

Laboratory for Molecular Medicine, Mass General Brigham Personalized Medicine
Classification: Uncertain significance. Last evaluated: 2016-08-24. Review status: criteria provided, single submitter. Criteria: LMM Criteria. Collection method: clinical testing. Allele origin: germline. Observed: 1 variant allele.
Comment: Variant classified as Uncertain Significance - Favor Benign. The p.Arg605His var iant in LARS2 has not been previously reported in individuals with hearing loss or Perrault syndrome, but it has been identified in 3/10406 African chromosomes by the Exome Aggregation Consortium (ExAC; dbSNP rs142665087). Although this variant has been seen in the general population, it s frequency is not high enough to rule out a pathogenic role. The arginine (Arg) at position 605 is not conserved in mammals or evolutionary distant species, wi th one mammal (rat) having a histidine (His). Additional computational predicti on tools suggest that this variant may not impact the protein. However, this in formation is not predictive enough to rule out pathogenicity. In summary, while the clinical significance of the p.Arg605His variant is uncertain, the conservat ion data suggest that it is more likely to be benign.